The following is an entry in ClinVar:

NM_000268.4(NF2):c.17C>A (p.Ala6Asp)

Gene: NF2 (NF2, moesin-ezrin-radixin like (MERLIN) tumor suppressor; plus strand). Cytogenetic location: 22q12.2.
Variant type: single nucleotide variant.
Coding change: c.17C>A on transcript NM_000268.4 (MANE Select); coding-DNA position 17, C replaced by A.
Protein change: p.Ala6Asp; replaces alanine 6 with aspartic acid.
Molecular consequence: missense variant. On other transcripts: non-coding transcript variant (1).
Genome position (GRCh38, 1-based): chr22:29,604,015, C>A. VCF-style: chr22-29604015-C-A. GRCh37 (hg19) VCF-style: chr22-30000004-C-A.
Other names: c.17C>A, p.Ala6Asp (NM_016418.5, NM_181825.3, NM_181828.3 and 5 more transcripts); short protein forms A6D.
Identifiers: ClinVar variation 950781 (VCV000950781.8), dbSNP rs2064713500, ClinGen allele CA411145761.

ClinVar aggregate classification (germline): Uncertain significance (1 of 4 stars; one submission).

Conditions:
Neurofibromatosis, type 2 (SWNV). Also called: BILATERAL ACOUSTIC NEUROFIBROMATOSIS; SCHWANNOMATOSIS, VESTIBULAR; NF2-Related Schwannomatosis. Identifiers: Orphanet 637, MedGen C0027832, MONDO:0007039, OMIM 101000. Disease mechanism: loss of function.

gnomAD v4.1: 1 of 1,591,264 alleles (0.000063%); no homozygotes.

Submission:

Labcorp Genetics (formerly Invitae), Labcorp
Classification: Uncertain significance for Neurofibromatosis, type 2. Last evaluated: 2025-06-15. Review status: criteria provided, single submitter. Criteria: Invitae Variant Classification Sherloc (09022015). Collection method: clinical testing. Allele origin: germline.
Comment: This sequence change replaces alanine, which is neutral and non-polar, with aspartic acid, which is acidic and polar, at codon 6 of the NF2 protein (p.Ala6Asp). This variant is not present in population databases (gnomAD no frequency). This variant has not been reported in the literature in individuals affected with NF2-related conditions. ClinVar contains an entry for this variant (Variation ID: 950781). An algorithm developed to predict the effect of missense changes on protein structure and function (PolyPhen-2) suggests that this variant is likely to be tolerated. In summary, the available evidence is currently insufficient to determine the role of this variant in disease. Therefore, it has been classified as a Variant of Uncertain Significance.